The following is an entry in ClinVar:

NM_006904.7(PRKDC):c.10297+89G>C

Gene: PRKDC (protein kinase, DNA-activated, catalytic subunit; minus strand). Cytogenetic location: 8q11.21.
Variant type: single nucleotide variant.
Coding change: c.10297+89G>C on transcript NM_006904.7 (MANE Select); 89 bases into the intron after coding-DNA position 10297, G replaced by C.
Molecular consequence: intron variant.
Genome position (GRCh38, 1-based): chr8:47,799,121, C>G on the plus strand (G>C on the coding strand, the complement: PRKDC is on the minus strand). VCF-style: chr8-47799121-C-G. GRCh37 (hg19) VCF-style: chr8-48711682-C-G.
Other names: c.10297+89G>C (NM_001081640.2).
Identifiers: ClinVar variation 1290354 (VCV001290354.5), dbSNP rs7828380, ClinGen allele CA12760840.
Genomic context (GRCh38, chr8:47,799,121, plus strand): 5'-CCGGCTGCCATTGTCTCTTAAAAAGACAGTAGGATTTTCAAAATATTTGTAATTTGAAAA[C>G]AAACAAAGAGGAGACCAAAGGTATGTACAAAATTCATAAGACTTTATGCTGACATAATGG-3'

ClinVar aggregate classification (germline): Benign. Review status: criteria provided, multiple submitters, no conflicts (2 of 4 stars). 3 submissions from 3 submitters: Benign (3). Last evaluated 2024-01-24.

Allele frequency attached by ClinVar (database versions not stated): gnomAD 0.14579 and 0.14596; TOPMed 0.17022; 1000 Genomes Project 0.21645.
gnomAD v4.1: 122,134 of 1,468,712 alleles (8.3%); highest among the groups gnomAD compares: African/African-American, 31%; 9,400 homozygotes.

Submissions (3):

Unidad de Genómica Garrahan, Hospital de Pediatría Garrahan
Classification: Benign. Last evaluated: 2024-01-24. Review status: criteria provided, single submitter. Criteria: ACMG Guidelines, 2015. Collection method: clinical testing. Allele origin: germline. Affected: no. Observed: 29 variant alleles.
Comment: This variant is classified as Benign based on local population frequency. This variant was detected in 31% of patients studied by a panel of primary immunodeficiencies. Number of patients: 29. Only high quality variants are reported.

GeneDx
Classification: Benign. Last evaluated: 2018-07-07. Review status: criteria provided, single submitter. Criteria: GeneDx Variant Classification Process June 2021. Collection method: clinical testing. Allele origin: germline. Affected: yes.

Breakthrough Genomics
Classification: Benign. Review status: criteria provided, single submitter. Criteria: ACMG Guidelines, 2015. Collection method: not provided. Allele origin: germline. Inheritance: Autosomal recessive inheritance. Affected: yes.